The following is an entry in ClinVar:

NM_201384.3(PLEC):c.7309C>T (p.Gln2437Ter)

Gene: PLEC (plectin; minus strand). Cytogenetic location: 8q24.3.
Variant type: single nucleotide variant.
Coding change: c.7309C>T on transcript NM_201384.3 (MANE Select); coding-DNA position 7309, C replaced by T.
Protein change: p.Gln2437Ter; replaces glutamine 2437 with a stop codon.
Molecular consequence: nonsense.
Genome position (GRCh38, 1-based): chr8:143,922,620, G>A on the plus strand (C>T on the coding strand, the complement: PLEC is on the minus strand). VCF-style: chr8-143922620-G-A. GRCh37 (hg19) VCF-style: chr8-144996788-G-A.
Other names: c.7390C>T, p.Gln2464Ter (NM_000445.5); c.7267C>T, p.Gln2423Ter (NM_201378.4); c.7243C>T, p.Gln2415Ter (NM_201379.3); c.7720C>T, p.Gln2574Ter (NM_201380.4); c.7213C>T, p.Gln2405Ter (NM_201381.3); c.7309C>T, p.Gln2437Ter (NM_201382.4); c.7321C>T, p.Gln2441Ter (NM_201383.3); short protein forms Q2405*, Q2415*, Q2423*, Q2437*, Q2441*, Q2464*, Q2574*.
Identifiers: ClinVar variation 620548 (VCV000620548.1), dbSNP rs782499772, ClinGen allele CA4925694.

ClinVar aggregate classification (germline): Likely pathogenic (1 of 4 stars; one submission).

Allele frequency attached by ClinVar (database versions not stated): TOPMed below 0.00001; ExAC 0.00001; gnomAD exomes 0.00001 and 0.00002; gnomAD 0.00002.
gnomAD v4.1: 13 of 1,613,532 alleles (0.00081%); highest among the groups gnomAD compares: Non-Finnish European, 0.00025%; no homozygotes.

Submission:

GeneDx
Classification: Likely pathogenic. Last evaluated: 2019-01-07. Review status: criteria provided, single submitter. Criteria: GeneDx Variant Classification (06012015). Collection method: clinical testing. Allele origin: germline. Affected: yes.
Comment: The Q2464X variant in the PLEC gene has not been reported previously as a pathogenic variant nor as a benign variant, to our knowledge. This variant is predicted to cause loss of normal protein function either through protein truncation or nonsense-mediated mRNA decay. The Q2464X variant is observed in 5/25,656 alleles (0.02%) from individuals of Finnish background, and 7/276,328 global alleles (0.0025%) with no homozygous control individuals reported, in large population cohorts (Lek et al., 2016). We interpret Q2464X as a likely pathogenic variant.